The following is an entry in ClinVar:

ClinVar aggregate classification (germline): Uncertain significance. Review status: criteria provided, multiple submitters, no conflicts (2 of 4 stars). 5 submissions from 5 submitters: Uncertain significance (5). Last evaluated 2024-03-06.

Conditions:
Juvenile polyposis syndrome (JPS). Identifiers: Orphanet 2929, MedGen C0345893, MONDO:0017380, OMIM 174900.
Hereditary cancer-predisposing syndrome. Also called: Tumor predisposition; Neoplastic Syndromes, Hereditary; Hereditary Cancer Syndrome; Hereditary neoplastic syndrome. Identifiers: Orphanet 140162, MedGen C0027672, MeSH D009386, MONDO:0015356.

Submissions (5):

Color Diagnostics, LLC DBA Color Health
Classification: Uncertain significance for Hereditary cancer-predisposing syndrome. Last evaluated: 2024-03-06. Review status: criteria provided, single submitter. Criteria: ACMG Guidelines, 2015. Collection method: clinical testing. Allele origin: germline.
Comment: This missense variant replaces tyrosine with histidine at codon 176 of the BMPR1A protein. Computational prediction is inconclusive regarding the impact of this variant on protein structure and function (internally defined REVEL score threshold 0.5 < inconclusive < 0.7, PMID: 27666373). To our knowledge, functional studies have not been reported for this variant. This variant has not been reported in individuals affected with juvenile polyposis syndrome (JPS) in the literature. This variant has not been identified in the general population by the Genome Aggregation Database (gnomAD). The available evidence is insufficient to determine the role of this variant in disease conclusively. Therefore, this variant is classified as a Variant of Uncertain Significance.

Quest Diagnostics Nichols Institute San Juan Capistrano
Classification: Uncertain significance. Last evaluated: 2023-05-04. Review status: criteria provided, single submitter. Criteria: Quest Diagnostics criteria. Collection method: clinical testing. Allele origin: unknown.
Comment: The variant has not been reported in individuals with BMPR1A-related conditions in the published literature. It also has not been reported in large, multi-ethnic general populations. Analysis of this variant using bioinformatics tools for the prediction of the effect of amino acid changes on protein structure and function yielded predictions that this variant is benign. Based on the available information, we are unable to determine the clinical significance of this variant.

Labcorp Genetics (formerly Invitae), Labcorp
Classification: Uncertain significance for Juvenile polyposis syndrome. Last evaluated: 2023-01-31. Review status: criteria provided, single submitter. Criteria: Invitae Variant Classification Sherloc (09022015). Collection method: clinical testing. Allele origin: germline.
Comment: This variant has not been reported in the literature in individuals affected with BMPR1A-related conditions. This sequence change replaces tyrosine, which is neutral and polar, with histidine, which is basic and polar, at codon 176 of the BMPR1A protein (p.Tyr176His). This variant is not present in population databases (gnomAD no frequency). ClinVar contains an entry for this variant (Variation ID: 628513). Advanced modeling of protein sequence and biophysical properties (such as structural, functional, and spatial information, amino acid conservation, physicochemical variation, residue mobility, and thermodynamic stability) performed at Invitae indicates that this missense variant is not expected to disrupt BMPR1A protein function. In summary, the available evidence is currently insufficient to determine the role of this variant in disease. Therefore, it has been classified as a Variant of Uncertain Significance.

All of Us Research Program, National Institutes of Health
Classification: Uncertain significance for Juvenile polyposis syndrome. Last evaluated: 2022-12-02. Review status: criteria provided, single submitter. Criteria: ACMG Guidelines, 2015. Collection method: clinical testing. Allele origin: germline. Inheritance: Autosomal dominant inheritance. Observed: 1 variant allele, 1 heterozygote.
Comment: This missense variant replaces tyrosine with histidine at codon 176 of the BMPR1A protein. Computational prediction is inconclusive regarding the impact of this variant on protein structure and function (internally defined REVEL score threshold 0.5 < inconclusive < 0.7, PMID: 27666373). To our knowledge, functional studies have not been reported for this variant. This variant has not been reported in individuals affected with juvenile polyposis syndrome (JPS) in the literature. This variant has not been identified in the general population by the Genome Aggregation Database (gnomAD). The available evidence is insufficient to determine the role of this variant in disease conclusively. Therefore, this variant is classified as a Variant of Uncertain Significance.

This study involves interpretation of variants in research participants for the purpose of population health screening. Participant phenotype was not available at the time of variant classification. Additional details can be found in publication PMID: 35346344, PMCID: PMC8962531

Ambry Genetics
Classification: Uncertain significance for Hereditary cancer-predisposing syndrome. Last evaluated: 2022-09-23. Review status: criteria provided, single submitter. Criteria: Ambry Variant Classification Scheme 2023. Collection method: clinical testing. Allele origin: germline.
Comment: The p.Y176H variant (also known as c.526T>C), located in coding exon 5 of the BMPR1A gene, results from a T to C substitution at nucleotide position 526. The tyrosine at codon 176 is replaced by histidine, an amino acid with similar properties. This amino acid position is highly conserved in available vertebrate species. In addition, the in silico prediction for this alteration is inconclusive. Since supporting evidence is limited at this time, the clinical significance of this alteration remains unclear.

NM_004329.3(BMPR1A):c.526T>C (p.Tyr176His)

Gene: BMPR1A (bone morphogenetic protein receptor type 1A; plus strand). Cytogenetic location: 10q23.2.
Variant type: single nucleotide variant.
Coding change: c.526T>C on transcript NM_004329.3 (MANE Select); coding-DNA position 526, T replaced by C.
Protein change: p.Tyr176His; replaces tyrosine 176 with histidine.
Molecular consequence: missense variant.
Genome position (GRCh38, 1-based): chr10:86,900,122, T>C. VCF-style: chr10-86900122-T-C. GRCh37 (hg19) VCF-style: chr10-88659879-T-C.
Other names: short protein forms Y176H.
Identifiers: ClinVar variation 628513 (VCV000628513.15), dbSNP rs1564717948, ClinGen allele CA377450761.